The following is an entry in ClinVar:

NM_052947.4(ALPK2):c.6455C>T (p.Thr2152Ile)

Gene: ALPK2 (alpha kinase 2; minus strand). Cytogenetic location: 18q21.31.
Variant type: single nucleotide variant.
Coding change: c.6455C>T on transcript NM_052947.4 (MANE Select); coding-DNA position 6455, C replaced by T.
Protein change: p.Thr2152Ile; replaces threonine 2152 with isoleucine.
Molecular consequence: missense variant.
Genome position (GRCh38, 1-based): chr18:58,481,881, G>A on the plus strand (C>T on the coding strand, the complement: ALPK2 is on the minus strand). VCF-style: chr18-58481881-G-A. GRCh37 (hg19) VCF-style: chr18-56149113-G-A.
Other names: short protein forms T2152I.
Identifiers: ClinVar variation 1753620 (VCV001753620.2), dbSNP rs2518842603, ClinGen allele CA402538358.

ClinVar aggregate classification (germline): Uncertain significance (1 of 4 stars; one submission).

Allele frequency attached by ClinVar (database versions not stated): gnomAD exomes below 0.00001.
gnomAD v4.1: 1 of 1,614,146 alleles (0.000062%); highest among the groups gnomAD compares: African/African-American, 0.0013%; no homozygotes.

Submission:

Ambry Genetics
Classification: Uncertain significance. Last evaluated: 2022-01-15. Review status: criteria provided, single submitter. Criteria: Ambry Variant Classification Scheme 2023. Collection method: clinical testing. Allele origin: germline.
Comment: The p.T2152I variant (also known as c.6455C>T), located in coding exon 12 of the ALPK2 gene, results from a C to T substitution at nucleotide position 6455. The threonine at codon 2152 is replaced by isoleucine, an amino acid with similar properties. This amino acid position is conserved. In addition, this alteration is predicted to be tolerated by in silico analysis. Since supporting evidence is limited at this time, the clinical significance of this alteration remains unclear.